The following is an entry in ClinVar:

ClinVar aggregate classification (germline): Uncertain significance. Review status: criteria provided, multiple submitters, no conflicts (2 of 4 stars). 2 submissions from 2 submitters: Uncertain significance (2). Last evaluated 2025-09-27.

Conditions:
Autosomal dominant limb-girdle muscular dystrophy type 1D (DNAJB6) (LGMDD1). Also called: MUSCULAR DYSTROPHY, LIMB-GIRDLE, TYPE 1D; Autosomal dominant limb-girdle muscular dystrophy type 1D; Muscular dystrophy, limb-girdle, autosomal dominant 1; MUSCULAR DYSTROPHY, AUTOSOMAL DOMINANT, WITH RIMMED VACUOLES. Identifiers: Orphanet 34516, MedGen C4721885, MONDO:0021018, OMIM 603511.

gnomAD v4.1: 1 of 1,614,066 alleles (0.000062%); highest among the groups gnomAD compares: African/African-American, 0.0013%; no homozygotes.

Submissions (2):

Labcorp Genetics (formerly Invitae), Labcorp
Classification: Uncertain significance for Autosomal dominant limb-girdle muscular dystrophy type 1D (DNAJB6). Last evaluated: 2025-09-27. Review status: criteria provided, single submitter. Criteria: Invitae Variant Classification Sherloc (09022015). Collection method: clinical testing. Allele origin: germline.
Comment: This sequence change replaces asparagine, which is neutral and polar, with serine, which is neutral and polar, at codon 199 of the DNAJB6 protein (p.Asn199Ser). This variant is not present in population databases (gnomAD no frequency). This variant has not been reported in the literature in individuals affected with DNAJB6-related conditions. Invitae Evidence Modeling of protein sequence and biophysical properties (such as structural, functional, and spatial information, amino acid conservation, physicochemical variation, residue mobility, and thermodynamic stability) indicates that this missense variant is not expected to disrupt DNAJB6 protein function with a negative predictive value of 80%. Algorithms developed to predict the effect of sequence changes on RNA splicing suggest that this variant may create or strengthen a splice site. In summary, the available evidence is currently insufficient to determine the role of this variant in disease. Therefore, it has been classified as a Variant of Uncertain Significance.

GeneDx
Classification: Uncertain significance. Last evaluated: 2025-06-17. Review status: criteria provided, single submitter. Criteria: GeneDx Variant Classification Process June 2021. Collection method: clinical testing. Allele origin: germline. Affected: yes.
Comment: Reported as a de novo variant in a patient with autism in published literature; however, detailed clinical information was not provided (PMID: 25363768); Not observed at significant frequency in large population cohorts (gnomAD); In silico analysis supports that this missense variant has a deleterious effect on protein structure/function; In silico analysis supports a deleterious effect on splicing; Missense variants in this gene are a common cause of disease and they are underrepresented in the general population; This variant is associated with the following publications: (PMID: 34011629, 28191890, 28867142, 35982159, 25363768, 31133750, 35982160)

NM_058246.4(DNAJB6):c.596A>G (p.Asn199Ser)

Gene: DNAJB6 (DnaJ heat shock protein family (Hsp40) member B6; plus strand). Cytogenetic location: 7q36.3.
Variant type: single nucleotide variant.
Coding change: c.596A>G on transcript NM_058246.4 (MANE Select); coding-DNA position 596, A replaced by G.
Protein change: p.Asn199Ser; replaces asparagine 199 with serine.
Molecular consequence: missense variant. On other transcripts: intron variant (1).
Genome position (GRCh38, 1-based): chr7:157,384,984, A>G. VCF-style: chr7-157384984-A-G. GRCh37 (hg19) VCF-style: chr7-157177678-A-G.
Other names: c.596A>G, p.Asn199Ser (NM_005494.3); c.346+17501A>G (NM_001363676.1); short protein forms N199S.
Identifiers: ClinVar variation 4538580 (VCV004538580.2).